The following is an entry in ClinVar:

ClinVar aggregate classification (germline): Uncertain significance (1 of 4 stars; one submission).

Conditions:
Charcot-Marie-Tooth disease type 4. Also called: Charcot-Marie-Tooth, Type 4; Charcot-Marie-Tooth disease, type IV. Identifiers: Orphanet 64749, MedGen C4082197, MONDO:0018995.

Submission:

Labcorp Genetics (formerly Invitae), Labcorp
Classification: Uncertain significance for Charcot-Marie-Tooth disease type 4. Last evaluated: 2022-06-28. Review status: criteria provided, single submitter. Criteria: Invitae Variant Classification Sherloc (09022015). Collection method: clinical testing. Allele origin: germline.
Comment: In summary, the available evidence is currently insufficient to determine the role of this variant in disease. Therefore, it has been classified as a Variant of Uncertain Significance. Experimental studies and prediction algorithms are not available or were not evaluated, and the functional significance of this variant is currently unknown. ClinVar contains an entry for this variant (Variation ID: 650174). This variant has not been reported in the literature in individuals affected with FIG4-related conditions. This variant is present in population databases (rs763532476, gnomAD 0.0009%). This variant, c.512_514del, results in the deletion of 1 amino acid(s) of the FIG4 protein (p.Leu171del), but otherwise preserves the integrity of the reading frame.

NM_014845.6(FIG4):c.512_514del (p.Leu171del)

Gene: FIG4 (FIG4 phosphoinositide 5-phosphatase; plus strand). Cytogenetic location: 6q21.
Variant type: Deletion.
Coding change: c.512_514del on transcript NM_014845.6 (MANE Select); coding-DNA positions 512 to 514, 3 bases deleted (TGT; older notation c.512_514delTGT).
Protein change: p.Leu171del; deletes leucine 171.
Molecular consequence: inframe deletion.
Genome position (GRCh38, 1-based): chr6:109,735,164-109,735,166, TGT deleted; deleting any 3 consecutive bases within chr6:109,735,163-109,735,166 gives the same sequence; the c. name uses the placement nearest the transcript's 3' end. VCF-style (leftmost placement, unchanged base first): chr6-109735162-TTTG-T. GRCh37 (hg19) VCF-style: chr6-110056365-TTTG-T.
Other names: c.512_514delTGT (NM_014845.5); short protein forms L171del.
Identifiers: ClinVar variation 650174 (VCV000650174.6), dbSNP rs763532476, ClinGen allele CA3955825.
Genomic context (GRCh38, chr6:109,735,162, plus strand): 5'-ATATGCTTTGCTTTTGTAATTCTTATTAAGTTTCAATTCTGTTCTCAGTTACAGCTATGA[TTTG>T]TCCCACTCACTTCAATATAATCTCACTGTCTTGCGAATGCCCCTGGAGATGTTAAAGTCA-3'